The following is an entry in ClinVar:

ClinVar aggregate classification (germline): Uncertain significance. Review status: criteria provided, multiple submitters, no conflicts (2 of 4 stars). 2 submissions from 2 submitters: Uncertain significance (2). Last evaluated 2025-12-13.

Conditions:
Episodic ataxia type 2 (EA2). Also called: ATAXIA, EPISODIC, WITH NYSTAGMUS; ATAXIA, FAMILIAL PAROXYSMAL; CEREBELLAR ATAXIA, PAROXYSMAL, ACETAZOLAMIDE-RESPONSIVE; CEREBELLOPATHY, HEREDITARY PAROXYSMAL; EPISODIC ATAXIA, NYSTAGMUS-ASSOCIATED; ACETAZOLAMIDE-RESPONSIVE HEREDITARY PAROXYSMAL CEREBELLAR ATAXIA. Identifiers: Orphanet 97, MedGen C1720416, MONDO:0007163, OMIM 108500.
Developmental and epileptic encephalopathy, 42 (DEE42A). Also called: DEVELOPMENTAL AND EPILEPTIC ENCEPHALOPATHY 42A; EPILEPTIC ENCEPHALOPATHY, EARLY INFANTILE, 42A; Epileptic encephalopathy, early infantile, 42. Identifiers: MedGen C4310716, MONDO:0014917, OMIM 617106.

gnomAD v4.1: 18 of 1,612,226 alleles (0.0011%); highest among the groups gnomAD compares: Non-Finnish European, 0.0014%; no homozygotes.

Submissions (2):

Labcorp Genetics (formerly Invitae), Labcorp
Classification: Uncertain significance for Developmental and epileptic encephalopathy, 42; Episodic ataxia type 2. Last evaluated: 2025-12-13. Review status: criteria provided, single submitter. Criteria: Invitae Variant Classification Sherloc (09022015). Collection method: clinical testing. Allele origin: germline.
Comment: This sequence change replaces valine, which is neutral and non-polar, with isoleucine, which is neutral and non-polar, at codon 1287 of the CACNA1A protein (p.Val1287Ile). This variant is not present in population databases (gnomAD no frequency). This variant has not been reported in the literature in individuals affected with CACNA1A-related conditions. ClinVar contains an entry for this variant (Variation ID: 1810697). Invitae Evidence Modeling of protein sequence and biophysical properties (such as structural, functional, and spatial information, amino acid conservation, physicochemical variation, residue mobility, and thermodynamic stability) has been performed for this missense variant. However, the output from this modeling did not meet the statistical confidence thresholds required to predict the impact of this variant on CACNA1A protein function. In summary, the available evidence is currently insufficient to determine the role of this variant in disease. Therefore, it has been classified as a Variant of Uncertain Significance.

GeneDx
Classification: Uncertain significance. Last evaluated: 2024-04-14. Review status: criteria provided, single submitter. Criteria: GeneDx Variant Classification Process June 2021. Collection method: clinical testing. Allele origin: germline.
Comment: Not observed at significant frequency in large population cohorts (gnomAD); In silico analysis indicates that this missense variant does not alter protein structure/function; Has not been previously published as pathogenic or benign to our knowledge

NM_001127222.2(CACNA1A):c.3856G>A (p.Val1286Ile)

Gene: CACNA1A (calcium voltage-gated channel subunit alpha1 A; minus strand). Cytogenetic location: 19p13.13.
Variant type: single nucleotide variant.
Coding change: c.3856G>A on transcript NM_001127222.2 (MANE Select); coding-DNA position 3856, G replaced by A.
Protein change: p.Val1286Ile; replaces valine 1286 with isoleucine.
Molecular consequence: missense variant.
Genome position (GRCh38, 1-based): chr19:13,277,095, C>T on the plus strand (G>A on the coding strand, the complement: CACNA1A is on the minus strand). VCF-style: chr19-13277095-C-T. GRCh37 (hg19) VCF-style: chr19-13387909-C-T.
Other names: c.3868G>A, p.Val1290Ile (NM_000068.4, NM_023035.3); c.3859G>A, p.Val1287Ile (NM_001127221.2, NM_001174080.2); short protein forms V1287I, V1290I, V1286I.
Identifiers: ClinVar variation 1810697 (VCV001810697.3), dbSNP rs2057168994, ClinGen allele CA404340441.
Genomic context (GRCh38, chr19:13,277,095, plus strand): 5'-TTACCGTGTGTTCTCACTTATAATCTGCACTCACCTTGATCACCATCTCAAAGGTAAAGA[C>T]GCCTGTAAAAACGTAGTCAAAGTATCGCAGCACCTGTAAGGGATAAAAGCAAGAGAGCAG-3'
Protein context (NP_001120694.1, residues 1276-1296): LRYFDYVFTG[Val1286Ile]FTFEMVIKMI